The following is an entry in ClinVar:

ClinVar aggregate classification (germline): Benign/Likely benign. Review status: criteria provided, multiple submitters, no conflicts (2 of 4 stars). 3 submissions from 3 submitters: Benign (1); Likely benign (1). 1 of the submissions does not count toward it. Last evaluated 2026-08-01.

Conditions:
NUP133-related disorder. Also called: NUP133-related condition.

Allele frequency attached by ClinVar (database versions not stated): gnomAD exomes 0.00081; ExAC 0.00089; 1000 Genomes Project 0.00300; gnomAD 0.00311 and 0.00339; 1000 Genomes Project 30x 0.00312; TOPMed 0.00351; ESP Exome Variant Server 0.00377.
gnomAD v4.1: 915 of 1,614,124 alleles (0.057%); highest among the groups gnomAD compares: African/African-American, 1.1%; 6 homozygotes.

Submissions (3):

CeGaT Center for Human Genetics Tuebingen
Classification: Likely benign. Last evaluated: 2026-08-01. Review status: criteria provided, single submitter. Criteria: CeGaT Center For Human Genetics Tuebingen Variant Classification Criteria Version 2. Collection method: clinical testing. Allele origin: germline. Affected: yes. Observed: 1 variant allele.
Comment: NUP133: BP4, BS1

Labcorp Genetics (formerly Invitae), Labcorp
Classification: Benign. Last evaluated: 2025-12-30. Review status: criteria provided, single submitter. Criteria: Invitae Variant Classification Sherloc (09022015). Collection method: clinical testing. Allele origin: germline.

PreventionGenetics, part of Exact Sciences
Classification: Benign for NUP133-related condition. Last evaluated: 2024-08-25. Review status: no assertion criteria provided. Collection method: clinical testing. Allele origin: germline. Not counted in ClinVar's aggregate classification.
Comment: This variant is classified as benign based on ACMG/AMP sequence variant interpretation guidelines (Richards et al. 2015 PMID: 25741868, with internal and published modifications).

NM_018230.3(NUP133):c.595G>A (p.Ala199Thr)

Gene: NUP133 (nucleoporin 133; minus strand). Cytogenetic location: 1q42.13.
Variant type: single nucleotide variant.
Coding change: c.595G>A on transcript NM_018230.3 (MANE Select); coding-DNA position 595, G replaced by A.
Protein change: p.Ala199Thr; replaces alanine 199 with threonine.
Molecular consequence: missense variant.
Genome position (GRCh38, 1-based): chr1:229,499,737, C>T on the plus strand (G>A on the coding strand, the complement: NUP133 is on the minus strand). VCF-style: chr1-229499737-C-T. GRCh37 (hg19) VCF-style: chr1-229635484-C-T.
Other names: c.595G>A (NM_018230.2); short protein forms A199T.
Identifiers: ClinVar variation 1544128 (VCV001544128.11), dbSNP rs141588559, ClinGen allele CA1443782.